The following is an entry in ClinVar:

NM_001375567.1(FOCAD):c.1232T>C (p.Met411Thr)

Gene: FOCAD (focadhesin; plus strand). Cytogenetic location: 9p21.3.
Variant type: single nucleotide variant.
Coding change: c.1232T>C on transcript NM_001375567.1 (MANE Select); coding-DNA position 1232, T replaced by C.
Protein change: p.Met411Thr; replaces methionine 411 with threonine.
Molecular consequence: missense variant.
Genome position (GRCh38, 1-based): chr9:20,789,385, T>C. VCF-style: chr9-20789385-T-C. GRCh37 (hg19) VCF-style: chr9-20789384-T-C.
Other names: c.1232T>C, p.Met411Thr (NM_001375568.1, NM_017794.5); c.1127T>C, p.Met376Thr (NM_001375570.1); short protein forms M376T, M411T.
Identifiers: ClinVar variation 2400238 (VCV002400238.4), dbSNP rs375010349, ClinGen allele CA5006661.

ClinVar aggregate classification (germline): Uncertain significance. Review status: criteria provided, multiple submitters, no conflicts (2 of 4 stars). 2 submissions from 2 submitters: Uncertain significance (2). Last evaluated 2024-06-28.

Conditions:
Inborn genetic diseases. Identifiers: MedGen C0950123, MeSH D030342.

Allele frequency attached by ClinVar (database versions not stated): gnomAD exomes below 0.00001; ExAC 0.00002; gnomAD 0.00003; TOPMed 0.00004; ESP Exome Variant Server 0.00008.
gnomAD v4.1: 15 of 1,613,938 alleles (0.00093%); highest among the groups gnomAD compares: African/African-American, 0.0093%; no homozygotes.

Submissions (2):

Labcorp Genetics (formerly Invitae), Labcorp
Classification: Uncertain significance. Last evaluated: 2024-06-28. Review status: criteria provided, single submitter. Criteria: Invitae Variant Classification Sherloc (09022015). Collection method: clinical testing. Allele origin: germline.
Comment: This sequence change replaces methionine, which is neutral and non-polar, with threonine, which is neutral and polar, at codon 411 of the FOCAD protein (p.Met411Thr). This variant is present in population databases (rs375010349, gnomAD 0.01%). This variant has not been reported in the literature in individuals affected with FOCAD-related conditions. ClinVar contains an entry for this variant (Variation ID: 2400238). In summary, the available evidence is currently insufficient to determine the role of this variant in disease. Therefore, it has been classified as a Variant of Uncertain Significance.

Ambry Genetics
Classification: Uncertain significance for Inborn genetic diseases. Last evaluated: 2022-11-17. Review status: criteria provided, single submitter. Criteria: Ambry Variant Classification Scheme 2023. Collection method: clinical testing. Allele origin: germline.